The following is an entry in ClinVar:

NM_001349253.2(SCN11A):c.4966C>T (p.Pro1656Ser)

Gene: SCN11A (sodium voltage-gated channel alpha subunit 11; minus strand). Cytogenetic location: 3p22.2.
Variant type: single nucleotide variant.
Coding change: c.4966C>T on transcript NM_001349253.2 (MANE Select); coding-DNA position 4966, C replaced by T.
Protein change: p.Pro1656Ser; replaces proline 1656 with serine.
Molecular consequence: missense variant.
Genome position (GRCh38, 1-based): chr3:38,847,104, G>A on the plus strand (C>T on the coding strand, the complement: SCN11A is on the minus strand). VCF-style: chr3-38847104-G-A. GRCh37 (hg19) VCF-style: chr3-38888595-G-A.
Other names: c.4966C>T, p.Pro1656Ser (NM_014139.3); short protein forms P1656S.
Identifiers: ClinVar variation 1057942 (VCV001057942.5), dbSNP rs757777457, ClinGen allele CA2321430.

ClinVar aggregate classification (germline): Uncertain significance (1 of 4 stars; one submission).

Conditions:
Hereditary sensory and autonomic neuropathy type 7. Also called: Neuropathy, hereditary sensory and autonomic, type VII; HSAN VII. Identifiers: Orphanet 391397, MedGen C3809882, MONDO:0014244, OMIM 615548.
Familial episodic pain syndrome with predominantly lower limb involvement. Also called: Episodic pain syndrome, familial, 3. Identifiers: Orphanet 391384, Orphanet 391392, MedGen C3809899, MONDO:0014247, OMIM 615552.

gnomAD v4.1: 10 of 1,614,122 alleles (0.00062%); highest among the groups gnomAD compares: Admixed American, 0.015%; no homozygotes.

Submission:

Labcorp Genetics (formerly Invitae), Labcorp
Classification: Uncertain significance for Familial episodic pain syndrome with predominantly lower limb involvement; Hereditary sensory and autonomic neuropathy type 7. Last evaluated: 2023-10-06. Review status: criteria provided, single submitter. Criteria: Invitae Variant Classification Sherloc (09022015). Collection method: clinical testing. Allele origin: germline.
Comment: This sequence change replaces proline, which is neutral and non-polar, with serine, which is neutral and polar, at codon 1656 of the SCN11A protein (p.Pro1656Ser). This variant is present in population databases (rs757777457, gnomAD 0.02%). This variant has not been reported in the literature in individuals affected with SCN11A-related conditions. ClinVar contains an entry for this variant (Variation ID: 1057942). Advanced modeling of protein sequence and biophysical properties (such as structural, functional, and spatial information, amino acid conservation, physicochemical variation, residue mobility, and thermodynamic stability) performed at Invitae indicates that this missense variant is expected to disrupt SCN11A protein function. In summary, the available evidence is currently insufficient to determine the role of this variant in disease. Therefore, it has been classified as a Variant of Uncertain Significance.